The following is an entry in ClinVar:

NM_000553.6(WRN):c.4151G>C (p.Ser1384Thr)

Gene: WRN (WRN RecQ like helicase; plus strand). Cytogenetic location: 8p12.
Variant type: single nucleotide variant.
Coding change: c.4151G>C on transcript NM_000553.6 (MANE Select); coding-DNA position 4151, G replaced by C.
Protein change: p.Ser1384Thr; replaces serine 1384 with threonine.
Molecular consequence: missense variant.
Genome position (GRCh38, 1-based): chr8:31,167,190, G>C. VCF-style: chr8-31167190-G-C. GRCh37 (hg19) VCF-style: chr8-31024706-G-C.
Other names: short protein forms S1384T.
Identifiers: ClinVar variation 2085418 (VCV002085418.4), dbSNP rs2130515283, ClinGen allele CA370909900.

ClinVar aggregate classification (germline): Uncertain significance (1 of 4 stars; one submission).

Conditions:
Werner syndrome (WRN). Identifiers: Orphanet 902, MedGen C0043119, MONDO:0010196, OMIM 277700.

Submission:

Labcorp Genetics (formerly Invitae), Labcorp
Classification: Uncertain significance for Werner syndrome. Last evaluated: 2022-09-01. Review status: criteria provided, single submitter. Criteria: Invitae Variant Classification Sherloc (09022015). Collection method: clinical testing. Allele origin: germline.
Comment: In summary, the available evidence is currently insufficient to determine the role of this variant in disease. Therefore, it has been classified as a Variant of Uncertain Significance. Algorithms developed to predict the effect of missense changes on protein structure and function output the following: SIFT: "Not Available"; PolyPhen-2: "Benign"; Align-GVGD: "Not Available". The threonine amino acid residue is found in multiple mammalian species, which suggests that this missense change does not adversely affect protein function. This variant has not been reported in the literature in individuals affected with WRN-related conditions. This variant is not present in population databases (gnomAD no frequency). This sequence change replaces serine, which is neutral and polar, with threonine, which is neutral and polar, at codon 1384 of the WRN protein (p.Ser1384Thr).